The following is an entry in ClinVar:

ClinVar aggregate classification (germline): Uncertain significance (1 of 4 stars; one submission).

Conditions:
TH-deficient dopa-responsive dystonia. Also called: Tyrosine Hydroxylase-Deficient Dopa-Responsive Dystonia; Segawa syndrome, autosomal recessive; DYT-TH. Identifiers: Orphanet 101150, MedGen C2673535, MONDO:0011551, OMIM 605407.

Allele frequency attached by ClinVar (database versions not stated): gnomAD 0.00001 and 0.00002; gnomAD exomes 0.00001; ExAC 0.00003; TOPMed 0.00003; 1000 Genomes Project 30x 0.00016; 1000 Genomes Project 0.00040.
gnomAD v4.1: 16 of 1,517,760 alleles (0.0011%); highest among the groups gnomAD compares: East Asian, 0.0048%; no homozygotes.

Submission:

Labcorp Genetics (formerly Invitae), Labcorp
Classification: Uncertain significance for TH-deficient dopa-responsive dystonia. Last evaluated: 2022-06-29. Review status: criteria provided, single submitter. Criteria: Invitae Variant Classification Sherloc (09022015). Collection method: clinical testing. Allele origin: germline.
Comment: This sequence change replaces arginine, which is basic and polar, with tryptophan, which is neutral and slightly polar, at codon 507 of the TH protein (p.Arg507Trp). The frequency data for this variant in the population databases is considered unreliable, as metrics indicate poor data quality at this position in the gnomAD database. This variant has not been reported in the literature in individuals affected with TH-related conditions. Algorithms developed to predict the effect of missense changes on protein structure and function are either unavailable or do not agree on the potential impact of this missense change (SIFT: "Deleterious"; PolyPhen-2: "Possibly Damaging"; Align-GVGD: "Class C0"). In summary, the available evidence is currently insufficient to determine the role of this variant in disease. Therefore, it has been classified as a Variant of Uncertain Significance.

NM_000360.4(TH):c.1426C>T (p.Arg476Trp)

Gene: TH (tyrosine hydroxylase; minus strand). Cytogenetic location: 11p15.5.
Variant type: single nucleotide variant.
Coding change: c.1426C>T on transcript NM_000360.4 (MANE Select); coding-DNA position 1426, C replaced by T.
Protein change: p.Arg476Trp; replaces arginine 476 with tryptophan.
Molecular consequence: missense variant.
Genome position (GRCh38, 1-based): chr11:2,164,301, G>A on the plus strand (C>T on the coding strand, the complement: TH is on the minus strand). VCF-style: chr11-2164301-G-A. GRCh37 (hg19) VCF-style: chr11-2185531-G-A.
Other names: c.1519C>T, p.Arg507Trp (NM_199292.3); c.1507C>T, p.Arg503Trp (NM_199293.3); short protein forms R507W, R476W, R503W.
Identifiers: ClinVar variation 1403964 (VCV001403964.5), dbSNP rs201616746, ClinGen allele CA5818243.
Genomic context (GRCh38, chr11:2,164,301, plus strand): 5'-TGGCACTCAGCGCATGGGCAAGGGTGTCCAGCTCATCCTGGACACCCTCCAGGGAGCGCC[G>A]CACGGCCTGGGGGCTGTCCAGCACGTCGATGGCCAGCGTGTACGGGTCGAACTTCACGGA-3'
Protein context (NP_000351.2, residues 466-486): IDVLDSPQAV[Arg476Trp]RSLEGVQDEL